The following is an entry in ClinVar:

NM_000532.5(PCCB):c.876C>G (p.His292Gln)

Gene: PCCB (propionyl-CoA carboxylase subunit beta; plus strand). Cytogenetic location: 3q22.3.
Variant type: single nucleotide variant.
Coding change: c.876C>G on transcript NM_000532.5 (MANE Select); coding-DNA position 876, C replaced by G.
Protein change: p.His292Gln; replaces histidine 292 with glutamine.
Molecular consequence: missense variant.
Genome position (GRCh38, 1-based): chr3:136,298,064, C>G. VCF-style: chr3-136298064-C-G. GRCh37 (hg19) VCF-style: chr3-136016906-C-G.
Other names: c.936C>G, p.His312Gln (NM_001178014.2); short protein forms H312Q, H292Q.
Identifiers: ClinVar variation 933396 (VCV000933396.7), dbSNP rs776893713, ClinGen allele CA2631900.
Genomic context (GRCh38, chr3:136,298,064, plus strand): 5'-GGATTTCTTCAACTACCTGCCCCTGAGCAGTCAGGACCCGGCTCCCGTCCGTGAGTGCCA[C>G]GATCCCAGGTGGGTTGTAGGCCGGTGCACCTTCTCTCATTTTGCAGTGTAGCTTGCCTTT-3'
Protein context (NP_000523.2, residues 282-302): SQDPAPVREC[His292Gln]DPSDRLVPEL

ClinVar aggregate classification (germline): Uncertain significance. Review status: criteria provided, multiple submitters, no conflicts (2 of 4 stars). 4 submissions from 4 submitters: Uncertain significance (3). 1 of the submissions does not count toward it. Last evaluated 2023-09-25.

Conditions:
Inborn genetic diseases. Identifiers: MedGen C0950123, MeSH D030342.
Propionic acidemia (PROP). Also called: GLYCINEMIA, KETOTIC; HYPERGLYCINEMIA WITH KETOACIDOSIS AND LEUKOPENIA; KETOTIC HYPERGLYCINEMIA. Identifiers: Orphanet 35, MedGen C0268579, MONDO:0011628, OMIM 606054, HP:0003571.

Allele frequency attached by ClinVar (database versions not stated): gnomAD 0.00001; TOPMed 0.00001.
gnomAD v4.1: 11 of 1,614,028 alleles (0.00068%); highest among the groups gnomAD compares: African/African-American, 0.0053%; no homozygotes.

Submissions (4):

Ambry Genetics
Classification: Uncertain significance for Inborn genetic diseases. Last evaluated: 2023-09-25. Review status: criteria provided, single submitter. Criteria: Ambry Variant Classification Scheme 2023. Collection method: clinical testing. Allele origin: germline.

Fulgent Genetics
Classification: Uncertain significance for Propionic acidemia. Last evaluated: 2022-05-20. Review status: criteria provided, single submitter. Criteria: ACMG Guidelines, 2015. Collection method: clinical testing. Allele origin: unknown.

Labcorp Genetics (formerly Invitae), Labcorp
Classification: Uncertain significance for Propionic acidemia. Last evaluated: 2021-09-01. Review status: criteria provided, single submitter. Criteria: Invitae Variant Classification Sherloc (09022015). Collection method: clinical testing. Allele origin: germline.
Comment: This sequence change replaces histidine with glutamine at codon 292 of the PCCB protein (p.His292Gln). The histidine residue is moderately conserved and there is a small physicochemical difference between histidine and glutamine. This variant is present in population databases (rs776893713, ExAC 0.001%). This variant has not been reported in the literature in individuals affected with PCCB-related conditions. Algorithms developed to predict the effect of missense changes on protein structure and function output the following: SIFT: "Tolerated"; PolyPhen-2: "Benign"; Align-GVGD: "Class C0". The glutamine amino acid residue is found in multiple mammalian species, which suggests that this missense change does not adversely affect protein function. Algorithms developed to predict the effect of sequence changes on RNA splicing suggest that this variant may create or strengthen a splice site. In summary, the available evidence is currently insufficient to determine the role of this variant in disease. Therefore, it has been classified as a Variant of Uncertain Significance.

Natera, Inc.
Classification: Uncertain significance for Propionic acidemia. Last evaluated: 2020-06-22. Review status: no assertion criteria provided. Collection method: clinical testing. Allele origin: germline. Not counted in ClinVar's aggregate classification.